The following is an entry in ClinVar:

ClinVar aggregate classification (germline): Likely pathogenic (1 of 4 stars; one submission).

Conditions:
SPTAN1-related disorder. Also called: SPTAN1-related disorders; SPTAN1-related condition.

Submission:

3billion
Classification: Likely pathogenic for SPTAN1-related disorder. Last evaluated: 2026-01-06. Review status: criteria provided, single submitter. Criteria: ACMG Guidelines, 2015. Collection method: clinical testing. Allele origin: germline. Affected: yes.
Comment: The variant is not observed in the gnomAD v4.1.0 dataset. Predicted Consequence/Location: Frameshift: predicted to result in a loss or disruption of normal protein function through nonsense-mediated decay (NMD) or protein truncation. Multiple pathogenic variants are reported downstream of the variant. Therefore, this variant is classified as Likely pathogenic according to the recommendation of ACMG/AMP guideline.

NM_001130438.3(SPTAN1):c.3102_3105del (p.Leu1035fs)

Gene: SPTAN1 (spectrin alpha, non-erythrocytic 1; plus strand). Cytogenetic location: 9q34.11.
Variant type: Deletion.
Coding change: c.3102_3105del on transcript NM_001130438.3 (MANE Select); coding-DNA positions 3102 to 3105, 4 bases deleted (TCTC; older notation c.3102_3105delTCTC).
Protein change: p.Leu1035fs; shifts the reading frame from leucine 1035.
Molecular consequence: frameshift variant.
Genome position (GRCh38, 1-based): chr9:128,591,572-128,591,575, TCTC deleted. VCF-style (leftmost placement, unchanged base first): chr9-128591571-ATCTC-A. GRCh37 (hg19) VCF-style: chr9-131353850-ATCTC-A.
Other names: c.3102_3105del, p.Leu1035fs (NM_001195532.2, NM_001363759.2, NM_001363765.2 and 10 more transcripts); c.3138_3141del, p.Leu1047fs (NM_001375312.2, NM_001375318.1, NM_001438440.1); short protein forms L1035fs, L1047fs.
Identifiers: ClinVar variation 4854137 (VCV004854137.1).